The following is an entry in ClinVar:

ClinVar aggregate classification (germline): Uncertain significance (1 of 4 stars; one submission).

Submission:

GeneDx
Classification: Uncertain significance. Last evaluated: 2024-08-10. Review status: criteria provided, single submitter. Criteria: GeneDx Variant Classification Process June 2021. Collection method: clinical testing. Allele origin: germline. Affected: yes.
Comment: Not observed at significant frequency in large population cohorts (gnomAD); In silico analysis supports that this missense variant has a deleterious effect on protein structure/function; Has not been previously published as pathogenic or benign to our knowledge

NM_017934.7(PHIP):c.656C>G (p.Ala219Gly)

Gene: PHIP (pleckstrin homology domain interacting protein; minus strand). Cytogenetic location: 6q14.1.
Variant type: single nucleotide variant.
Coding change: c.656C>G on transcript NM_017934.7 (MANE Select); coding-DNA position 656, C replaced by G.
Protein change: p.Ala219Gly; replaces alanine 219 with glycine.
Molecular consequence: missense variant.
Genome position (GRCh38, 1-based): chr6:79,026,109, G>C on the plus strand (C>G on the coding strand, the complement: PHIP is on the minus strand). VCF-style: chr6-79026109-G-C. GRCh37 (hg19) VCF-style: chr6-79735826-G-C.
Other names: short protein forms A219G.
Identifiers: ClinVar variation 3602907 (VCV003602907.1).